The following is an entry in ClinVar:

NM_015909.4(NBAS):c.4961G>A (p.Gly1654Asp)

Gene: NBAS (NBAS subunit of NRZ tethering complex; minus strand). Cytogenetic location: 2p24.3.
Variant type: single nucleotide variant.
Coding change: c.4961G>A on transcript NM_015909.4 (MANE Select); coding-DNA position 4961, G replaced by A.
Protein change: p.Gly1654Asp; replaces glycine 1654 with aspartic acid.
Molecular consequence: missense variant. On other transcripts: non-coding transcript variant (1).
Genome position (GRCh38, 1-based): chr2:15,292,603, C>T on the plus strand (G>A on the coding strand, the complement: NBAS is on the minus strand). VCF-style: chr2-15292603-C-T. GRCh37 (hg19) VCF-style: chr2-15432727-C-T.
Other names: short protein forms G1654D.
Identifiers: ClinVar variation 1976346 (VCV001976346.3), dbSNP rs1416148287, ClinGen allele CA345889055.

ClinVar aggregate classification (germline): Uncertain significance. Review status: criteria provided, multiple submitters, no conflicts (2 of 4 stars). 2 submissions from 2 submitters: Uncertain significance (2). Last evaluated 2025-09-04.

Allele frequency attached by ClinVar (database versions not stated): gnomAD 0.00001; gnomAD exomes 0.00001; TOPMed 0.00001.
gnomAD v4.1: 10 of 1,614,066 alleles (0.00062%); highest among the groups gnomAD compares: Non-Finnish European, 0.00085%; no homozygotes.

Submissions (2):

Women's Health and Genetics/Laboratory Corporation of America, LabCorp
Classification: Uncertain significance. Last evaluated: 2025-09-04. Review status: criteria provided, single submitter. Criteria: LabCorp Variant Classification Summary - May 2015. Collection method: clinical testing. Allele origin: germline.
Comment: Variant summary: NBAS c.4961G>A (p.Gly1654Asp) results in a non-conservative amino acid change in the encoded protein sequence. Algorithms developed to predict the effect of missense changes on protein structure and function are either unavailable or do not agree on the potential impact of this missense change. The variant was absent in 251440 control chromosomes. The available data on variant occurrences in the general population are insufficient to allow any conclusion about variant significance. To our knowledge, no occurrence of c.4961G>A in individuals affected with NBAS-related conditions and no experimental evidence demonstrating its impact on protein function have been reported. ClinVar contains an entry for this variant (Variation ID: 1976346). Based on the evidence outlined above, the variant was classified as uncertain significance.

Labcorp Genetics (formerly Invitae), Labcorp
Classification: Uncertain significance. Last evaluated: 2022-03-28. Review status: criteria provided, single submitter. Criteria: Invitae Variant Classification Sherloc (09022015). Collection method: clinical testing. Allele origin: germline.
Comment: This sequence change replaces glycine, which is neutral and non-polar, with aspartic acid, which is acidic and polar, at codon 1654 of the NBAS protein (p.Gly1654Asp). This variant is not present in population databases (gnomAD no frequency). This variant has not been reported in the literature in individuals affected with NBAS-related conditions. Algorithms developed to predict the effect of missense changes on protein structure and function (SIFT, PolyPhen-2, Align-GVGD) all suggest that this variant is likely to be disruptive. In summary, the available evidence is currently insufficient to determine the role of this variant in disease. Therefore, it has been classified as a Variant of Uncertain Significance.